The following is an entry in ClinVar:

NM_144997.7(FLCN):c.1301-8T>C

Gene: FLCN (folliculin; minus strand). Cytogenetic location: 17p11.2.
Variant type: single nucleotide variant.
Coding change: c.1301-8T>C on transcript NM_144997.7 (MANE Select); 8 bases into the intron before coding-DNA position 1301, T replaced by C.
Molecular consequence: intron variant.
Genome position (GRCh38, 1-based): chr17:17,215,324, A>G on the plus strand (T>C on the coding strand, the complement: FLCN is on the minus strand). VCF-style: chr17-17215324-A-G. GRCh37 (hg19) VCF-style: chr17-17118638-A-G.
Other names: c.1301-8T>C (NM_001353231.2, NM_001353230.2, NM_144997.6); c.1355-8T>C (NM_001353229.2).
Identifiers: ClinVar variation 1127166 (VCV001127166.10), dbSNP rs571192457, ClinGen allele CA8416037.

ClinVar aggregate classification (germline): Benign/Likely benign. Review status: criteria provided, multiple submitters, no conflicts (2 of 4 stars). 4 submissions from 4 submitters: Benign (1); Likely benign (3). Last evaluated 2025-12-01.

Conditions:
Familial spontaneous pneumothorax (PSP). Identifiers: Orphanet 2903, MedGen C1868193, MONDO:0008259, OMIM 173600.
17p11.2 microduplication syndrome (PTLS). Also called: CHROMOSOME 17p11.2 DUPLICATION SYNDROME; Potocki-Lupski syndrome; Duplication 17p11.2 syndrome; Potocki-Lupski syndrome (dup(17)(p11.2p11.2)). Identifiers: Orphanet 1713, MedGen C2931246, MONDO:0012574, OMIM 610883.
Birt-Hogg-Dube syndrome. Also called: Birt Hogg Dubé syndrome. Identifiers: Orphanet 122, MedGen C0346010, MONDO:0800444.
Colorectal cancer. Also called: Malignant Colorectal Neoplasm; Colorectal cancer, somatic. Identifiers: MedGen C0346629, MONDO:0005575, OMIM 114500.
Nonpapillary renal cell carcinoma. Identifiers: Orphanet 422526, MedGen CN074294, MONDO:0007763, OMIM 144700.
Birt-Hogg-Dube syndrome 1 (BHD1). Also called: FIBROFOLLICULOMAS WITH TRICHODISCOMAS AND ACROCHORDONS. Identifiers: Orphanet 122, MedGen CN375946, MONDO:0800445, OMIM 135150.

Allele frequency attached by ClinVar (database versions not stated): gnomAD exomes below 0.00001 and 0.00001; TOPMed below 0.00001; ExAC 0.00001; gnomAD 0.00001 and 0.00002; 1000 Genomes Project 30x 0.00016; 1000 Genomes Project 0.00020.
gnomAD v4.1: 8 of 1,613,812 alleles (0.0005%); highest among the groups gnomAD compares: East Asian, 0.0067%; no homozygotes.

Submissions (4):

Labcorp Genetics (formerly Invitae), Labcorp
Classification: Likely benign for Birt-Hogg-Dube syndrome. Last evaluated: 2025-12-01. Review status: criteria provided, single submitter. Criteria: Invitae Variant Classification Sherloc (09022015). Collection method: clinical testing. Allele origin: germline.

Quest Diagnostics Nichols Institute San Juan Capistrano
Classification: Likely benign. Last evaluated: 2025-09-15. Review status: criteria provided, single submitter. Criteria: Quest Diagnostics criteria. Collection method: clinical testing. Allele origin: unknown.

Myriad Genetics, Inc.
Classification: Benign for Birt-Hogg-Dube syndrome 1. Last evaluated: 2024-09-11. Review status: criteria provided, single submitter. Criteria: Myriad Autosomal Dominant, Autosomal Recessive and X-Linked Classification Criteria (2023). Collection method: clinical testing. Allele origin: unknown.
Comment: This variant is considered benign. This variant is intronic and is not expected to impact mRNA splicing. This variant has been observed at a population frequency that is significantly greater than expected given the associated disease prevalence and penetrance.

Fulgent Genetics
Classification: Likely benign for Colorectal cancer; Birt-Hogg-Dube syndrome 1; Nonpapillary renal cell carcinoma; Familial spontaneous pneumothorax; 17p11.2 microduplication syndrome. Last evaluated: 2022-04-13. Review status: criteria provided, single submitter. Criteria: ACMG Guidelines, 2015. Collection method: clinical testing. Allele origin: unknown.